The following is an entry in ClinVar:

NM_000424.4(KRT5):c.1554C>A (p.Gly518=)

Gene: KRT5 (keratin 5; minus strand). Cytogenetic location: 12q13.13.
Variant type: single nucleotide variant.
Coding change: c.1554C>A on transcript NM_000424.4 (MANE Select); coding-DNA position 1554, C replaced by A.
Protein change: p.Gly518=; no amino-acid change (glycine 518 retained).
Molecular consequence: synonymous variant.
Genome position (GRCh38, 1-based): chr12:52,515,161, G>T on the plus strand (C>A on the coding strand, the complement: KRT5 is on the minus strand). VCF-style: chr12-52515161-G-T. GRCh37 (hg19) VCF-style: chr12-52908945-G-T.
Identifiers: ClinVar variation 309558 (VCV000309558.14), dbSNP rs144226740, ClinGen allele CA6582459.

ClinVar aggregate classification (germline): Benign. Review status: criteria provided, multiple submitters, no conflicts (2 of 4 stars). 4 submissions from 4 submitters: Benign (4). Last evaluated 2026-02-03.

Conditions:
Epidermolysis bullosa simplex. Also called: Epidermolysis bullosa simplex, Weber-Cockayne type (subtype); Epidermolysis bullosa simplex, Dowling-Meara type (subtype); Epidermolysis bullosa simplex with mottled pigmentation (subtype). Identifiers: Orphanet 304, MedGen C0079298, MONDO:0017610.

Allele frequency attached by ClinVar (database versions not stated): ESP Exome Variant Server 0.00038; 1000 Genomes Project 0.00559; TOPMed 0.00677.

Submissions (4):

Labcorp Genetics (formerly Invitae), Labcorp
Classification: Benign. Last evaluated: 2026-02-03. Review status: criteria provided, single submitter. Criteria: Invitae Variant Classification Sherloc (09022015). Collection method: clinical testing. Allele origin: germline.

Illumina Laboratory Services, Illumina
Classification: Benign for Epidermolysis bullosa simplex. Last evaluated: 2018-01-13. Review status: criteria provided, single submitter. Criteria: ICSL Variant Classification Criteria 13 December 2019. Collection method: clinical testing. Allele origin: germline.
Comment: This variant was observed in the ICSL laboratory as part of a predisposition screen in an ostensibly healthy population. It had not been previously curated by ICSL or reported in the Human Gene Mutation Database (HGMD: prior to June 1st, 2018), and was therefore a candidate for classification through an automated scoring system. Utilizing variant allele frequency, disease prevalence and penetrance estimates, and inheritance mode, an automated score was calculated to assess if this variant is too frequent to cause the disease. Based on the score and internal cut-off values, a variant classified as benign is not then subjected to further curation. The score for this variant resulted in a classification of benign for this disease.

GeneDx
Classification: Benign. Last evaluated: 2017-12-27. Review status: criteria provided, single submitter. Criteria: GeneDx Variant Classification (06012015). Collection method: clinical testing. Allele origin: germline. Affected: yes.
Comment: This variant is considered likely benign or benign based on one or more of the following criteria: it is a conservative change, it occurs at a poorly conserved position in the protein, it is predicted to be benign by multiple in silico algorithms, and/or has population frequency not consistent with disease.

Breakthrough Genomics
Classification: Benign. Review status: criteria provided, single submitter. Criteria: ACMG Guidelines, 2015. Collection method: not provided. Allele origin: germline. Inheritance: Autosomal recessive inheritance. Affected: yes.